The following is an entry in ClinVar:

NM_000143.4(FH):c.822dup (p.Gly275fs)

Gene: FH (fumarate hydratase; minus strand). Cytogenetic location: 1q43.
Variant type: Duplication.
Coding change: c.822dup on transcript NM_000143.4 (MANE Select); coding-DNA position 822, one base duplicated (T; older notation c.822dupT).
Protein change: p.Gly275fs; shifts the reading frame from glycine 275.
Molecular consequence: frameshift variant.
Genome position (GRCh38, 1-based): chr1:241,506,085, A duplicated on the plus strand (T on the coding strand, the reverse complement: FH is on the minus strand). VCF-style (leftmost placement, unchanged base first): chr1-241506084-C-CA. GRCh37 (hg19) VCF-style: chr1-241669384-C-CA.
Other names: short protein forms G275fs.
Identifiers: ClinVar variation 1384577 (VCV001384577.7), dbSNP rs2147917619, ClinGen allele CA2573132932.

ClinVar aggregate classification (germline): Pathogenic. Review status: criteria provided, multiple submitters, no conflicts (2 of 4 stars). 2 submissions from 2 submitters: Pathogenic (2). Last evaluated 2025-02-26.

Conditions:
Hereditary leiomyomatosis and renal cell cancer. Also called: Familial leiomyomatosis; MULTIPLE CUTANEOUS AND UTERINE LEIOMYOMATA 1, WITH OR WITHOUT RENAL CELL CARCINOMA; LEIOMYOMA, MULTIPLE CUTANEOUS; FH tumor predisposition syndrome; Multiple cutaneous leiomyomas; Reed syndrome. Identifiers: Orphanet 523, MedGen C1708350, MONDO:0007888, OMIM 150800, HP:0007437. Disease mechanism: loss of function.

Submissions (2):

Myriad Genetics, Inc.
Classification: Pathogenic for Hereditary leiomyomatosis and renal cell cancer. Last evaluated: 2025-02-26. Review status: criteria provided, single submitter. Criteria: Myriad Autosomal Dominant, Autosomal Recessive and X-Linked Classification Criteria (2023). Collection method: clinical testing. Allele origin: unknown.
Comment: This variant is considered pathogenic. This variant creates a frameshift predicted to result in premature protein truncation.

Labcorp Genetics (formerly Invitae), Labcorp
Classification: Pathogenic. Last evaluated: 2021-02-22. Review status: criteria provided, single submitter. Criteria: Invitae Variant Classification Sherloc (09022015). Collection method: clinical testing. Allele origin: germline.
Comment: This sequence change creates a premature translational stop signal (p.Gly275Trpfs*12) in the FH gene. It is expected to result in an absent or disrupted protein product. Loss-of-function variants in FH are known to be pathogenic (PMID: 11865300, 21398687). This variant is not present in population databases (ExAC no frequency). For these reasons, this variant has been classified as Pathogenic. This variant has not been reported in the literature in individuals with FH-related conditions.

Literature cited by the submitters: PubMed 11865300 (cited by Labcorp Genetics (formerly Invitae), Labcorp); PubMed 21398687 (cited by Labcorp Genetics (formerly Invitae), Labcorp).